The following is an entry in ClinVar:

ClinVar aggregate classification (germline): Uncertain significance. Review status: criteria provided, multiple submitters, no conflicts (2 of 4 stars). 2 submissions from 2 submitters: Uncertain significance (2). Last evaluated 2025-09-27.

Conditions:
Hereditary cancer-predisposing syndrome. Also called: Tumor predisposition; Hereditary neoplastic syndrome; Neoplastic Syndromes, Hereditary; Hereditary Cancer Syndrome. Identifiers: Orphanet 140162, MedGen C0027672, MeSH D009386, MONDO:0015356.

Allele frequency attached by ClinVar (database versions not stated): gnomAD exomes below 0.00001.
gnomAD v4.1: 1 of 1,613,842 alleles (0.000062%); highest among the groups gnomAD compares: Non-Finnish European, 0.000085%; no homozygotes.

Submissions (2):

Labcorp Genetics (formerly Invitae), Labcorp
Classification: Uncertain significance. Last evaluated: 2025-09-27. Review status: criteria provided, single submitter. Criteria: Invitae Variant Classification Sherloc (09022015). Collection method: clinical testing. Allele origin: germline.
Comment: This sequence change replaces glycine, which is neutral and non-polar, with arginine, which is basic and polar, at codon 1031 of the MSH3 protein (p.Gly1031Arg). This variant is present in population databases (no rsID available, gnomAD 0.0009%). This variant has not been reported in the literature in individuals affected with MSH3-related conditions. ClinVar contains an entry for this variant (Variation ID: 960958). An algorithm developed to predict the effect of missense changes on protein structure and function (PolyPhen-2) suggests that this variant is likely to be disruptive. In summary, the available evidence is currently insufficient to determine the role of this variant in disease. Therefore, it has been classified as a Variant of Uncertain Significance.

Ambry Genetics
Classification: Uncertain significance for Hereditary cancer-predisposing syndrome. Last evaluated: 2024-08-19. Review status: criteria provided, single submitter. Criteria: Ambry Variant Classification Scheme 2023. Collection method: clinical testing. Allele origin: germline.
Comment: The p.G1031R variant (also known as c.3091G>C), located in coding exon 22 of the MSH3 gene, results from a G to C substitution at nucleotide position 3091. The glycine at codon 1031 is replaced by arginine, an amino acid with dissimilar properties. This amino acid position is not well conserved in available vertebrate species. In addition, the in silico prediction for this alteration is inconclusive. Since supporting evidence is limited at this time, the clinical significance of this alteration remains unclear.

NM_002439.5(MSH3):c.3091G>C (p.Gly1031Arg)

Gene: MSH3 (mutS homolog 3; plus strand). Cytogenetic location: 5q14.1.
Variant type: single nucleotide variant.
Coding change: c.3091G>C on transcript NM_002439.5 (MANE Select); coding-DNA position 3091, G replaced by C.
Protein change: p.Gly1031Arg; replaces glycine 1031 with arginine.
Molecular consequence: missense variant.
Genome position (GRCh38, 1-based): chr5:80,864,903, G>C. VCF-style: chr5-80864903-G-C. GRCh37 (hg19) VCF-style: chr5-80160722-G-C.
Other names: short protein forms G1031R.
Identifiers: ClinVar variation 960958 (VCV000960958.11), dbSNP rs1443075472, ClinGen allele CA360346378.